The following is an entry in ClinVar:

NM_000478.6(ALPL):c.187_205del (p.Gly63fs)

Gene: ALPL (alkaline phosphatase, biomineralization associated; plus strand). Cytogenetic location: 1p36.12.
Variant type: Deletion.
Coding change: c.187_205del on transcript NM_000478.6 (MANE Select); coding-DNA positions 187 to 205, 19 bases deleted (GGTGTCTCCACAGTGACGG).
Protein change: p.Gly63fs; shifts the reading frame from glycine 63.
Molecular consequence: frameshift variant. On other transcripts: intron variant (1).
Genome position (GRCh38, 1-based): chr1:21,561,102-21,561,120, GGTGTCTCCACAGTGACGG deleted; deleting any 19 consecutive bases within chr1:21,561,101-21,561,120 gives the same sequence; the c. name uses the placement nearest the transcript's 3' end. VCF-style (leftmost placement, unchanged base first): chr1-21561100-TGGGTGTCTCCACAGTGACG-T. GRCh37 (hg19) VCF-style: chr1-21887593-TGGGTGTCTCCACAGTGACG-T.
Other names: c.22_40del, p.Gly8fs (NM_001127501.4); c.187_205del, p.Gly63fs (NM_001369803.2, NM_001369804.2, NM_001369805.2); c.66+357_66+375del (NM_001177520.3); short protein forms G63fs, G8fs.
Identifiers: ClinVar variation 4086909 (VCV004086909.2).

ClinVar aggregate classification (germline): Pathogenic. Review status: criteria provided, multiple submitters, no conflicts (2 of 4 stars). 2 submissions from 2 submitters: Pathogenic (2). Last evaluated 2025-10-23.

Conditions:
Hypophosphatasia. Also called: Phosphoethanol-aminuria. Identifiers: Orphanet 436, MedGen C0020630, MeSH D007014, MONDO:0018570.

Submissions (2):

JKU Lab, Dept of Paediatrics, Johannes Kepler University
Classification: Pathogenic for Hypophosphatasia. Last evaluated: 2025-10-23. Review status: criteria provided, single submitter. Criteria: ACMG Guidelines, 2015. Collection method: curation, in vitro. Allele origin: germline, not applicable. Affected: yes. Functional consequence: decreased enzyme activity.
Comment: This frameshift variant is not present in GnomAD 4.1. REVEL score not applicable. Splice-prediction algorithms predict no effect on splicing. In vitro functional studies showed reduced ALP activity with a dominant negative effect. This variant has been reported in the literature in individuals affected by ALPL-related conditions (PMID: 32973344, 29236161, 32160374). The results of the functional testing and the applied ACMG criteria can be viewed at an online resource

Genomenon, Inc
Classification: Pathogenic for Hypophosphatasia. Last evaluated: 2025-08-29. Review status: criteria provided, single submitter. Criteria: Genomenon Sequence Variant Interpretation Standards. Collection method: curation. Allele origin: germline. Affected: yes.
Comment: ALPL p.Gly63LeufsTer53 (c.187_205del) is a frameshift variant that results in the production of a truncated protein which is predicted to undergo nonsense-mediated mRNA decay. This variant has been observed in at least one proband affected with hypophosphatasia (PMID:29236161). It is absent or not present at a significant frequency in gnomAD. In conclusion, we classify ALPL p.Gly63LeufsTer53 (c.187_205del) as a pathogenic variant.

Literature cited by the submitters: PubMed 32973344 (cited by JKU Lab, Dept of Paediatrics, Johannes Kepler University); PubMed 29236161 (cited by JKU Lab, Dept of Paediatrics, Johannes Kepler University and Genomenon, Inc); PubMed 32160374 (cited by JKU Lab, Dept of Paediatrics, Johannes Kepler University).